The following is an entry in ClinVar:

ClinVar aggregate classification (germline): Conflicting classifications of pathogenicity. Review status: criteria provided, conflicting classifications (1 of 4 stars). 2 submissions from 2 submitters: Likely pathogenic (1); Uncertain significance (1). Last evaluated 2023-01-23.

Submissions (2):

Labcorp Genetics (formerly Invitae), Labcorp
Classification: Likely pathogenic. Last evaluated: 2023-01-23. Review status: criteria provided, single submitter. Criteria: Invitae Variant Classification Sherloc (09022015). Collection method: clinical testing. Allele origin: germline.
Comment: In summary, the currently available evidence indicates that the variant is pathogenic, but additional data are needed to prove that conclusively. Therefore, this variant has been classified as Likely Pathogenic. Algorithms developed to predict the effect of missense changes on protein structure and function are either unavailable or do not agree on the potential impact of this missense change (SIFT: "Deleterious"; PolyPhen-2: "Probably Damaging"; Align-GVGD: "Class C0"). ClinVar contains an entry for this variant (Variation ID: 1299145). This missense change has been observed in individual(s) with clinical features of RORB-related conditions (Invitae). In at least one individual the variant was observed to be de novo. This variant is not present in population databases (gnomAD no frequency). This sequence change replaces cysteine, which is neutral and slightly polar, with arginine, which is basic and polar, at codon 262 of the RORB protein (p.Cys262Arg).

CeGaT Center for Human Genetics Tuebingen
Classification: Uncertain significance. Last evaluated: 2021-09-01. Review status: criteria provided, single submitter. Criteria: CeGaT Center For Human Genetics Tuebingen Variant Classification Criteria Version 2. Collection method: clinical testing. Allele origin: germline. Affected: yes. Observed: 1 variant allele.

NM_006914.4(RORB):c.784T>C (p.Cys262Arg)

Gene: RORB (RAR related orphan receptor B; plus strand). Cytogenetic location: 9q21.13.
Variant type: single nucleotide variant.
Coding change: c.784T>C on transcript NM_006914.4 (MANE Select); coding-DNA position 784, T replaced by C.
Protein change: p.Cys262Arg; replaces cysteine 262 with arginine.
Molecular consequence: missense variant.
Genome position (GRCh38, 1-based): chr9:74,662,498, T>C. VCF-style: chr9-74662498-T-C. GRCh37 (hg19) VCF-style: chr9-77277414-T-C.
Other names: c.817T>C, p.Cys273Arg (NM_001365023.1); short protein forms C262R, C273R.
Identifiers: ClinVar variation 1299145 (VCV001299145.38), dbSNP rs2118516548, ClinGen allele CA373770704.